The following is an entry in ClinVar:

NM_016599.5(MYOZ2):c.376+1G>T

Gene: MYOZ2 (myozenin 2; plus strand). Cytogenetic location: 4q26.
Variant type: single nucleotide variant.
Coding change: c.376+1G>T on transcript NM_016599.5 (MANE Select); the canonical splice donor site of the intron after coding-DNA position 376, G replaced by T.
Molecular consequence: splice donor variant.
Genome position (GRCh38, 1-based): chr4:119,158,152, G>T. VCF-style: chr4-119158152-G-T. GRCh37 (hg19) VCF-style: chr4-120079307-G-T.
Identifiers: ClinVar variation 841213 (VCV000841213.7), dbSNP rs1741625973, ClinGen allele CA358204063.

ClinVar aggregate classification (germline): Uncertain significance (1 of 4 stars; one submission).

Conditions:
Hypertrophic cardiomyopathy. Also called: HYPERTROPHIC MYOCARDIOPATHY. Identifiers: Orphanet 217569, MedGen C0007194, MeSH D002312, MONDO:0005045, HP:0001639.

Allele frequency attached by ClinVar (database versions not stated): gnomAD exomes 0.00001.
gnomAD v4.1: 7 of 1,613,938 alleles (0.00043%); highest among the groups gnomAD compares: Non-Finnish European, 0.00059%; no homozygotes.

Submission:

Labcorp Genetics (formerly Invitae), Labcorp
Classification: Uncertain significance for Hypertrophic cardiomyopathy. Last evaluated: 2019-04-02. Review status: criteria provided, single submitter. Criteria: Invitae Variant Classification Sherloc (09022015). Collection method: clinical testing. Allele origin: germline.
Comment: The current clinical and genetic evidence is not sufficient to establish whether loss-of-function variants in MYOZ2 cause disease. Algorithms developed to predict the effect of sequence changes on RNA splicing suggest that this variant may disrupt the consensus splice site, but this prediction has not been confirmed by published transcriptional studies. This variant has not been reported in the literature in individuals with MYOZ2-related conditions. This variant is not present in population databases (ExAC no frequency). This sequence change affects a donor splice site in intron 4 of the MYOZ2 gene. It is expected to disrupt RNA splicing and likely results in an absent or disrupted protein product. In summary, the available evidence is currently insufficient to determine the role of this variant in disease. Therefore, it has been classified as a Variant of Uncertain Significance.